The following is an entry in ClinVar:

ClinVar aggregate classification (germline): Uncertain significance. Review status: criteria provided, multiple submitters, no conflicts (2 of 4 stars). 2 submissions from 2 submitters: Uncertain significance (2). Last evaluated 2025-12-16.

Allele frequency attached by ClinVar (database versions not stated): TOPMed 0.00002; gnomAD exomes 0.00003; ESP Exome Variant Server 0.00009.

Submissions (2):

Labcorp Genetics (formerly Invitae), Labcorp
Classification: Uncertain significance. Last evaluated: 2025-12-16. Review status: criteria provided, single submitter. Criteria: Invitae Variant Classification Sherloc (09022015). Collection method: clinical testing. Allele origin: germline.
Comment: This sequence change replaces arginine, which is basic and polar, with histidine, which is basic and polar, at codon 353 of the BGN protein (p.Arg353His). This variant is not present in population databases (gnomAD no frequency). This variant has not been reported in the literature in individuals affected with BGN-related conditions. ClinVar contains an entry for this variant (Variation ID: 1496762). An algorithm developed to predict the effect of missense changes on protein structure and function (PolyPhen-2) suggests that this variant is likely to be disruptive. In summary, the available evidence is currently insufficient to determine the role of this variant in disease. Therefore, it has been classified as a Variant of Uncertain Significance.

GeneDx
Classification: Uncertain significance. Last evaluated: 2024-08-15. Review status: criteria provided, single submitter. Criteria: GeneDx Variant Classification Process June 2021. Collection method: clinical testing. Allele origin: germline. Affected: yes.
Comment: Not observed at significant frequency in large population cohorts (gnomAD); In silico analysis supports that this missense variant has a deleterious effect on protein structure/function; Has not been previously published as pathogenic or benign to our knowledge; Variants in candidate genes are classified as variants of uncertain significance in accordance with ACMG guidelines (PMID: 25741868)

NM_001711.6(BGN):c.1058G>A (p.Arg353His)

Gene: BGN (biglycan; plus strand). Cytogenetic location: Xq28.
Variant type: single nucleotide variant.
Coding change: c.1058G>A on transcript NM_001711.6 (MANE Select); coding-DNA position 1058, G replaced by A.
Protein change: p.Arg353His; replaces arginine 353 with histidine.
Molecular consequence: missense variant.
Genome position (GRCh38, 1-based): chrX:153,508,396, G>A. VCF-style: chrX-153508396-G-A. GRCh37 (hg19) VCF-style: chrX-152773854-G-A.
Other names: c.1058G>A (NM_001711.5); short protein forms R353H.
Identifiers: ClinVar variation 1496762 (VCV001496762.9), dbSNP rs368783683, ClinGen allele CA337215522.
Genomic context (GRCh38, chrX:153,508,396, plus strand): 5'-ACGGCATCAGCCTCTTCAACAACCCCGTGCCCTACTGGGAGGTGCAGCCGGCCACTTTCC[G>A]CTGCGTCACTGACCGCCTGGCCATCCAGTTTGGCAACTACAAAAAGTAGAGGCAGCTGCA-3'
Protein context (NP_001702.1, residues 343-363): PYWEVQPATF[Arg353His]CVTDRLAIQF